The following is an entry in ClinVar:

NM_004615.4(TSPAN7):c.-1T>C

Gene: TSPAN7 (tetraspanin 7; plus strand). Cytogenetic location: Xp11.4.
Variant type: single nucleotide variant.
Coding change: c.-1T>C on transcript NM_004615.4 (MANE Select); 1 bases upstream of the start codon, T replaced by C.
Molecular consequence: 5 prime UTR variant.
Genome position (GRCh38, 1-based): chrX:38,561,546, T>C. VCF-style: chrX-38561546-T-C. GRCh37 (hg19) VCF-style: chrX-38420799-T-C.
Identifiers: ClinVar variation 2660299 (VCV002660299.24), dbSNP rs764764570, ClinGen allele CA10386001.
Genomic context (GRCh38, chrX:38,561,546, plus strand): 5'-CCCCTCCCGCGCGCCCGCCCGCCGCCTGCCGCCGCCGCCGCCGCCGCCGGAGCTCTGTAG[T>C]ATGGCATCGAGGAGAATGGAGACCAAACCTGTGATAACCTGTCTCAAAACCCTCCTCATC-3'

ClinVar aggregate classification (germline): Likely benign (1 of 4 stars; one submission).

Allele frequency attached by ClinVar (database versions not stated): TOPMed 0.00008; gnomAD 0.00009; ExAC 0.00047.
gnomAD v4.1: 262 of 1,181,893 alleles (0.022%); highest among the groups gnomAD compares: Non-Finnish European, 0.027%; no homozygotes.

Submission:

CeGaT Center for Human Genetics Tuebingen
Classification: Likely benign. Last evaluated: 2025-08-01. Review status: criteria provided, single submitter. Criteria: CeGaT Center For Human Genetics Tuebingen Variant Classification Criteria Version 2. Collection method: clinical testing. Allele origin: germline. Affected: yes. Observed: 3 variant alleles.
Comment: TSPAN7: BP4, BS2